The following is an entry in ClinVar:

NM_001035.3(RYR2):c.9165T>G (p.Ser3055Arg)

Gene: RYR2 (ryanodine receptor 2; plus strand). Cytogenetic location: 1q43.
Variant type: single nucleotide variant.
Coding change: c.9165T>G on transcript NM_001035.3 (MANE Select); coding-DNA position 9165, T replaced by G.
Protein change: p.Ser3055Arg; replaces serine 3055 with arginine.
Molecular consequence: missense variant.
Genome position (GRCh38, 1-based): chr1:237,700,265, T>G. VCF-style: chr1-237700265-T-G. GRCh37 (hg19) VCF-style: chr1-237863565-T-G.
Other names: short protein forms S3055R.
Identifiers: ClinVar variation 2501734 (VCV002501734.4), dbSNP rs1687851158, ClinGen allele CA345405509.

ClinVar aggregate classification (germline): Uncertain significance. Review status: criteria provided, multiple submitters, no conflicts (2 of 4 stars). 3 submissions from 3 submitters: Uncertain significance (3). Last evaluated 2024-09-26.

Conditions:
Ventricular arrhythmias due to cardiac ryanodine receptor calcium release deficiency syndrome. Also called: Autosomal dominant cardiac arrhythmia (Kuhn). Identifiers: MedGen C5542154, MONDO:0020745, OMIM 115000.
Catecholaminergic polymorphic ventricular tachycardia 1. Also called: VENTRICULAR TACHYCARDIA, CATECHOLAMINERGIC POLYMORPHIC, 1, WITH OR WITHOUT ATRIAL DYSFUNCTION AND/OR DILATED CARDIOMYOPATHY; RYR2-Related Catecholaminergic Polymorphic Ventricular Tachycardia; VENTRICULAR TACHYCARDIA, STRESS-INDUCED POLYMORPHIC 1. Identifiers: Orphanet 3286, MedGen C1631597, MONDO:0011484, OMIM 604772.
Cardiomyopathy (CMYO). Also called: Cardiomyopathies. Identifiers: Orphanet 167848, MedGen C0878544, MONDO:0004994, HP:0001638. Inheritance: Various modes of inheritance.
Catecholaminergic polymorphic ventricular tachycardia (CVPT). Also called: Catecholamine-induced polymorphic ventricular tachycardia. Identifiers: Orphanet 3286, MedGen C5574922, MONDO:0017990.

Allele frequency attached by ClinVar (database versions not stated): TOPMed 0.00001.

Submissions (3):

All of Us Research Program, National Institutes of Health
Classification: Uncertain significance for Catecholaminergic polymorphic ventricular tachycardia. Last evaluated: 2024-09-26. Review status: criteria provided, single submitter. Criteria: ACMG Guidelines, 2015. Collection method: clinical testing. Allele origin: germline. Inheritance: Autosomal dominant inheritance. Observed: 1 variant allele, 1 heterozygote.
Comment: This missense variant replaces serine with arginine at codon 3055 of the RYR2 protein. Computational prediction suggests that this variant may not impact protein structure and function (internally defined REVEL score threshold <= 0.5, PMID: 27666373). To our knowledge, functional studies have not been reported for this variant. This variant has not been reported in individuals affected with RYR2-related disorders in the literature. This variant has not been identified in the general population by the Genome Aggregation Database (gnomAD). The available evidence is insufficient to determine the role of this variant in disease conclusively. Therefore, this variant is classified as a Variant of Uncertain Significance.

This study involves interpretation of variants in research participants for the purpose of population health screening. Participant phenotype was not available at the time of variant classification. Additional details can be found in publication PMID: 35346344, PMCID: PMC8962531

Color Diagnostics, LLC DBA Color Health
Classification: Uncertain significance for Cardiomyopathy. Last evaluated: 2024-08-21. Review status: criteria provided, single submitter. Criteria: ACMG Guidelines, 2015. Collection method: clinical testing. Allele origin: germline.
Comment: This missense variant replaces serine with arginine at codon 3055 of the RYR2 protein. Computational prediction suggests that this variant may not impact protein structure and function. To our knowledge, functional studies have not been reported for this variant. This variant has not been reported in individuals affected with RYR2-related disorders in the literature. This variant has not been identified in the general population by the Genome Aggregation Database (gnomAD). The available evidence is insufficient to determine the role of this variant in disease conclusively. Therefore, this variant is classified as a Variant of Uncertain Significance.

Center for Genomics, Ann and Robert H. Lurie Children's Hospital of Chicago
Classification: Uncertain significance for Catecholaminergic polymorphic ventricular tachycardia 1; Ventricular arrhythmias due to cardiac ryanodine receptor calcium release deficiency syndrome. Review status: criteria provided, single submitter. Criteria: ACMG Guidelines, 2015. Collection method: clinical testing. Allele origin: germline.
Comment: RYR2 NM_001035.2 exon 65 p.Ser3055Arg (c.9165T>G): This variant has not been reported in the literature and is absent from large control databases. Evolutionary conservation and computational predictive tools suggest that this variant may not impact the protein. In summary, data on this variant is insufficient for disease classification. Therefore, the clinical significance of this variant is uncertain.